The following is an entry in ClinVar:

ClinVar aggregate classification (germline): Pathogenic. Review status: criteria provided, multiple submitters, no conflicts (2 of 4 stars). 3 submissions from 3 submitters: Pathogenic (3). Last evaluated 2024-11-06.

Conditions:
Hereditary cancer-predisposing syndrome. Also called: Neoplastic Syndromes, Hereditary; Tumor predisposition; Hereditary neoplastic syndrome; Hereditary Cancer Syndrome. Identifiers: Orphanet 140162, MedGen C0027672, MeSH D009386, MONDO:0015356.
Familial adenomatous polyposis 4 (FAP4). Also called: MSH3-related attenuated familial adenomatous polyposis. Identifiers: Orphanet 480536, MedGen C4310719, MONDO:0044300, OMIM 617100.

Submissions (3):

Myriad Genetics, Inc.
Classification: Pathogenic for Familial adenomatous polyposis 4. Last evaluated: 2024-11-06. Review status: criteria provided, single submitter. Criteria: Myriad Autosomal Dominant, Autosomal Recessive and X-Linked Classification Criteria (2023). Collection method: clinical testing. Allele origin: unknown.
Comment: This variant is considered pathogenic. This variant creates a frameshift predicted to result in premature protein truncation.

Labcorp Genetics (formerly Invitae), Labcorp
Classification: Pathogenic. Last evaluated: 2023-10-04. Review status: criteria provided, single submitter. Criteria: Invitae Variant Classification Sherloc (09022015). Collection method: clinical testing. Allele origin: germline.
Comment: This sequence change creates a premature translational stop signal (p.Glu154Ilefs*14) in the MSH3 gene. It is expected to result in an absent or disrupted protein product. Loss-of-function variants in MSH3 are known to be pathogenic (PMID: 27476653, 37402566). This variant is not present in population databases (gnomAD no frequency). This variant has not been reported in the literature in individuals affected with MSH3-related conditions. ClinVar contains an entry for this variant (Variation ID: 643014). For these reasons, this variant has been classified as Pathogenic.

Ambry Genetics
Classification: Pathogenic for Hereditary cancer-predisposing syndrome. Last evaluated: 2021-09-16. Review status: criteria provided, single submitter. Criteria: Ambry Variant Classification Scheme 2023. Collection method: clinical testing. Allele origin: germline.
Comment: The c.460_461delGA pathogenic mutation, located in coding exon 3 of the MSH3 gene, results from a deletion of two nucleotides at nucleotide positions 460 to 461, causing a translational frameshift with a predicted alternate stop codon (p.E154Ifs*14). This variant is considered to be rare based on population cohorts in the Genome Aggregation Database (gnomAD). This alteration is expected to result in loss of function by premature protein truncation or nonsense-mediated mRNA decay. As such, this alteration is interpreted as a disease-causing mutation.

Literature cited by the submitters: PubMed 27476653 (cited by Labcorp Genetics (formerly Invitae), Labcorp); PubMed 37402566 (cited by Labcorp Genetics (formerly Invitae), Labcorp).

NM_002439.5(MSH3):c.460_461del (p.Glu154fs)

Gene: MSH3 (mutS homolog 3; plus strand). Cytogenetic location: 5q14.1.
Variant type: Deletion.
Coding change: c.460_461del on transcript NM_002439.5 (MANE Select); coding-DNA positions 460 to 461, 2 bases deleted (GA; older notation c.460_461delGA).
Protein change: p.Glu154fs; shifts the reading frame from glutamic acid 154.
Molecular consequence: frameshift variant.
Genome position (GRCh38, 1-based): chr5:80,665,244-80,665,245, GA deleted; deleting any 2 consecutive bases within chr5:80,665,243-80,665,245 gives the same sequence; the c. name uses the placement nearest the transcript's 3' end. VCF-style (leftmost placement, unchanged base first): chr5-80665242-CAG-C. GRCh37 (hg19) VCF-style: chr5-79961061-CAG-C.
Other names: short protein forms E154fs.
Identifiers: ClinVar variation 643014 (VCV000643014.10), dbSNP rs1580546655, ClinGen allele CA915943428.